The following is an entry in ClinVar:

ClinVar aggregate classification (germline): Pathogenic/Likely pathogenic. Review status: criteria provided, multiple submitters, no conflicts (2 of 4 stars). 4 submissions from 4 submitters: Pathogenic (1); Likely pathogenic (2). 1 of the submissions does not count toward it. Last evaluated 2026-04-15.

Conditions:
ATP8B1-related disorder. Also called: ATP8B1-related condition; ATP8B1-related disorders.
Benign recurrent intrahepatic cholestasis type 1. Also called: SUMMERSKILL SYNDROME; Mild-to-Moderate ATP8B1 Deficiency (Benign Recurrent Intrahepatic Cholestasis 1 [BRIC1]). Identifiers: Orphanet 65682, Orphanet 99960, MedGen C4551899, MONDO:0009469, OMIM 243300.

Submissions (4):

GeneDx
Classification: Likely pathogenic. Last evaluated: 2026-04-15. Review status: criteria provided, single submitter. Criteria: GeneDx Variant Classification Process June 2021. Collection method: clinical testing. Allele origin: germline.
Comment: Frameshift variant predicted to result in protein truncation or nonsense mediated decay in a gene for which loss of function is a known mechanism of disease; Not observed at significant frequency in large population cohorts (gnomAD); Has not been previously published as pathogenic or benign to our knowledge

Baylor Genetics
Classification: Likely pathogenic for Benign recurrent intrahepatic cholestasis type 1. Last evaluated: 2024-02-25. Review status: criteria provided, single submitter. Criteria: ACMG Guidelines, 2015. Collection method: clinical testing. Allele origin: unknown.

Labcorp Genetics (formerly Invitae), Labcorp
Classification: Pathogenic. Last evaluated: 2023-12-04. Review status: criteria provided, single submitter. Criteria: Invitae Variant Classification Sherloc (09022015). Collection method: clinical testing. Allele origin: germline.
Comment: This sequence change creates a premature translational stop signal (p.Arg71Profs*10) in the ATP8B1 gene. It is expected to result in an absent or disrupted protein product. Loss-of-function variants in ATP8B1 are known to be pathogenic (PMID: 15239083, 22525741). This variant is not present in population databases (gnomAD no frequency). This variant has not been reported in the literature in individuals affected with ATP8B1-related conditions. For these reasons, this variant has been classified as Pathogenic.

PreventionGenetics, part of Exact Sciences
Classification: Likely pathogenic for ATP8B1-related condition. Last evaluated: 2024-01-03. Review status: no assertion criteria provided. Collection method: clinical testing. Allele origin: germline. Not counted in ClinVar's aggregate classification.
Comment: The ATP8B1 c.212delG variant is predicted to result in a frameshift and premature protein termination (p.Arg71Profs*10). To our knowledge, this variant has not been reported in the literature or in a large population database, indicating this variant is rare. Frameshift variants in ATP8B1 are expected to be pathogenic. This variant is interpreted as likely pathogenic.

Literature cited by the submitters: PubMed 15239083 (cited by Labcorp Genetics (formerly Invitae), Labcorp); PubMed 22525741 (cited by Labcorp Genetics (formerly Invitae), Labcorp).

NM_001374385.1(ATP8B1):c.212del (p.Arg71fs)

Gene: ATP8B1 (ATPase phospholipid transporting 8B1; minus strand). Cytogenetic location: 18q21.31.
Variant type: Deletion.
Coding change: c.212del on transcript NM_001374385.1 (MANE Select); coding-DNA position 212, one base deleted (G; older notation c.212delG).
Protein change: p.Arg71fs; shifts the reading frame from arginine 71.
Molecular consequence: frameshift variant. On other transcripts: intron variant (1).
Genome position (GRCh38, 1-based): chr18:57,706,557, C deleted on the plus strand (G on the coding strand, the reverse complement: ATP8B1 is on the minus strand). VCF-style (leftmost placement, unchanged base first): chr18-57706556-GC-G. GRCh37 (hg19) VCF-style: chr18-55373788-GC-G.
Other names: c.212delG (NM_005603.4); c.212del, p.Arg71fs (NM_005603.6); c.130-1889del (NM_001374386.1); c.212del (NM_005603.4); short protein forms R71fs.
Identifiers: ClinVar variation 2988981 (VCV002988981.7), dbSNP rs2511806400, ClinGen allele CA2576512736.